The following is an entry in ClinVar:

ClinVar aggregate classification (germline): Uncertain significance. Review status: criteria provided, multiple submitters, no conflicts (2 of 4 stars). 3 submissions from 3 submitters: Uncertain significance (3). Last evaluated 2025-12-30.

Conditions:
PKD1-related disorder. Also called: PKD1-related condition.
Polycystic kidney disease, adult type (PKD1). Also called: Polycystic Kidney Disease 1, Autosomal Dominant; Polycystic kidney disease 1; Polycystic kidney disease 1, severe; Polycystic Kidney, Autosomal Dominant; POLYCYSTIC KIDNEY DISEASE, ADULT, TYPE I; POLYCYSTIC KIDNEY DISEASE 1 WITH OR WITHOUT POLYCYSTIC LIVER DISEASE. Identifiers: MedGen C3149841, MONDO:0008263, OMIM 173900.

Submissions (3):

PreventionGenetics, part of Exact Sciences
Classification: Uncertain significance for PKD1-related condition. Last evaluated: 2025-12-30. Review status: criteria provided, single submitter. Criteria: ACMG Guidelines, 2015. Collection method: clinical testing. Allele origin: germline.
Comment: The PKD1 c.934G>C variant is predicted to result in the amino acid substitution p.Ala312Pro. To our knowledge, this variant has not been reported in the literature. This variant is reported in 0.0080% of alleles in individuals of African descent in gnomAD. Although we suspect that this variant may be benign, at this time, the clinical significance of this variant is uncertain due to the absence of conclusive functional and genetic evidence.

Women's Health and Genetics/Laboratory Corporation of America, LabCorp
Classification: Uncertain significance. Last evaluated: 2025-06-27. Review status: criteria provided, single submitter. Criteria: LabCorp Variant Classification Summary - May 2015. Collection method: clinical testing. Allele origin: germline.
Comment: Variant summary: PKD1 c.934G>C (p.Ala312Pro) results in a non-conservative amino acid change in the encoded protein sequence. Algorithms developed to predict the effect of missense changes on protein structure and function are either unavailable or do not agree on the potential impact of this missense change. The variant allele was found at a frequency of 4.6e-06 in 217718 control chromosomes. The available data on variant occurrences in the general population are insufficient to allow any conclusion about variant significance. To our knowledge, no occurrence of c.934G>C in individuals affected with PKD1-related conditions and no experimental evidence demonstrating its impact on protein function have been reported. ClinVar contains an entry for this variant (Variation ID: 3579801). Based on the evidence outlined above, the variant was classified as uncertain significance.

Fulgent Genetics
Classification: Uncertain significance for Polycystic kidney disease, adult type. Last evaluated: 2024-05-15. Review status: criteria provided, single submitter. Criteria: ACMG Guidelines, 2015. Collection method: clinical testing. Allele origin: germline.

NM_001009944.3(PKD1):c.934G>C (p.Ala312Pro)

Gene: PKD1 (polycystin 1, transient receptor potential channel interacting; minus strand). Cytogenetic location: 16p13.3.
Variant type: single nucleotide variant.
Coding change: c.934G>C on transcript NM_001009944.3 (MANE Select); coding-DNA position 934, G replaced by C.
Protein change: p.Ala312Pro; replaces alanine 312 with proline.
Molecular consequence: missense variant.
Genome position (GRCh38, 1-based): chr16:2,118,058, C>G on the plus strand (G>C on the coding strand, the complement: PKD1 is on the minus strand). VCF-style: chr16-2118058-C-G. GRCh37 (hg19) VCF-style: chr16-2168059-C-G.
Other names: c.934G>C, p.Ala312Pro (NM_000296.4); short protein forms A312P.
Identifiers: ClinVar variation 3579801 (VCV003579801.3).